The following is an entry in ClinVar:

NM_004646.4(NPHS1):c.3343G>T (p.Glu1115Ter)

Gene: NPHS1 (NPHS1 adhesion molecule, nephrin; minus strand). Cytogenetic location: 19q13.12.
Variant type: single nucleotide variant.
Coding change: c.3343G>T on transcript NM_004646.4 (MANE Select); coding-DNA position 3343, G replaced by T.
Protein change: p.Glu1115Ter; replaces glutamic acid 1115 with a stop codon.
Molecular consequence: nonsense.
Genome position (GRCh38, 1-based): chr19:35,831,340, C>A on the plus strand (G>T on the coding strand, the complement: NPHS1 is on the minus strand). VCF-style: chr19-35831340-C-A. GRCh37 (hg19) VCF-style: chr19-36322242-C-A.
Other names: short protein forms E1115*.
Identifiers: ClinVar variation 850390 (VCV000850390.9), dbSNP rs1972879158, ClinGen allele CA405416679.

ClinVar aggregate classification (germline): Pathogenic. Review status: criteria provided, multiple submitters, no conflicts (2 of 4 stars). 2 submissions from 2 submitters: Pathogenic (2). Last evaluated 2026-05-03.

Conditions:
Finnish congenital nephrotic syndrome (NPHS1). Also called: NEPHROTIC SYNDROME, TYPE 1. Identifiers: Orphanet 839, MedGen C0403399, MONDO:0009732, OMIM 256300.

Allele frequency attached by ClinVar (database versions not stated): gnomAD exomes below 0.00001.
gnomAD v4.1: 1 of 1,614,104 alleles (0.000062%); highest among the groups gnomAD compares: Non-Finnish European, 0.000085%; no homozygotes.

Submissions (2):

Myriad Genetics, Inc.
Classification: Pathogenic for Finnish congenital nephrotic syndrome. Last evaluated: 2026-05-03. Review status: criteria provided, single submitter. Criteria: Myriad Autosomal Dominant, Autosomal Recessive and X-Linked Classification Criteria (2023). Collection method: clinical testing. Allele origin: unknown.
Comment: NM_004646.3(NPHS1):c.3343G>T(E1115*) is expected to be pathogenic in the context of nephrotic syndrome, NPHS1-related. This variant is predicted to lead to an abnormal or absent protein product due to the creation of a premature termination codon in NPHS1, a gene where loss-of-function variants are known to be pathogenic. Please note: this variant was assessed in the context of healthy population screening.

Labcorp Genetics (formerly Invitae), Labcorp
Classification: Pathogenic. Last evaluated: 2019-03-01. Review status: criteria provided, single submitter. Criteria: Invitae Variant Classification Sherloc (09022015). Collection method: clinical testing. Allele origin: germline.
Comment: This variant has been observed in combination with another NPHS1 variant in an individual affected with nephrotic syndrome (PMID: 19812541). This variant is not present in population databases (ExAC no frequency). This sequence change creates a premature translational stop signal (p.Glu1115*) in the NPHS1 gene. It is expected to result in an absent or disrupted protein product. Loss-of-function variants in NPHS1 are known to be pathogenic (PMID: 11317351, 11854170, 12039988). For these reasons, this variant has been classified as Pathogenic.

Literature cited by the submitters: PubMed 19812541 (cited by Labcorp Genetics (formerly Invitae), Labcorp); PubMed 11317351 (cited by Labcorp Genetics (formerly Invitae), Labcorp); PubMed 11854170 (cited by Labcorp Genetics (formerly Invitae), Labcorp); PubMed 12039988 (cited by Labcorp Genetics (formerly Invitae), Labcorp).